The following is an entry in ClinVar:

NM_001369.3(DNAH5):c.13399C>T (p.Gln4467Ter)

Gene: DNAH5 (dynein axonemal heavy chain 5; minus strand). Cytogenetic location: 5p15.2.
Variant type: single nucleotide variant.
Coding change: c.13399C>T on transcript NM_001369.3 (MANE Select); coding-DNA position 13399, C replaced by T.
Protein change: p.Gln4467Ter; replaces glutamine 4467 with a stop codon.
Molecular consequence: nonsense.
Genome position (GRCh38, 1-based): chr5:13,701,376, G>A on the plus strand (C>T on the coding strand, the complement: DNAH5 is on the minus strand). VCF-style: chr5-13701376-G-A. GRCh37 (hg19) VCF-style: chr5-13701485-G-A.
Other names: short protein forms Q4467*.
Identifiers: ClinVar variation 4814864 (VCV004814864.1).

ClinVar aggregate classification (germline): Likely pathogenic (1 of 4 stars; one submission).

Conditions:
Primary ciliary dyskinesia. Also called: Ciliary dyskinesia. Identifiers: Orphanet 244, MedGen C0008780, MONDO:0016575, HP:0012265.

gnomAD v4.1: 5 of 1,613,812 alleles (0.00031%); highest among the groups gnomAD compares: Non-Finnish European, 0.00017%; no homozygotes.

Submission:

Natera, Inc.
Classification: Likely pathogenic for Primary ciliary dyskinesia. Last evaluated: 2024-11-27. Review status: criteria provided, single submitter. Criteria: Natera Variant Classification Schema (03/2026). Collection method: clinical testing. Allele origin: germline.
Comment: The c.13399C>T variant in DNAH5 is a nonsense variant predicted to introduce a stop codon at amino acid 4467. This variant is expected to result in nonsense mediated decay, truncation, or a dysfunctional protein product. This variant is rare in the general population with a frequency below the threshold expected for the associated phenotype(s). Given the available evidence, this variant is classified as Likely Pathogenic.